The following is an entry in ClinVar:

ClinVar aggregate classification (germline): Uncertain significance (1 of 4 stars; one submission).

Conditions:
Multiple acyl-CoA dehydrogenase deficiency (MADD). Also called: ETHYLMALONIC-ADIPICACIDURIA; GA II; Glutaric aciduria, type 2; Glutaric acidemia type II; GA 2; Glutaric Acidemia type 2. Identifiers: Orphanet 26791, MedGen C0268596, MONDO:0009282, OMIM 231680.

Submission:

Labcorp Genetics (formerly Invitae), Labcorp
Classification: Uncertain significance for Multiple acyl-CoA dehydrogenase deficiency. Last evaluated: 2022-02-28. Review status: criteria provided, single submitter. Criteria: Invitae Variant Classification Sherloc (09022015). Collection method: clinical testing. Allele origin: germline.
Comment: This sequence change falls in intron 10 of the ETFDH gene. It does not directly change the encoded amino acid sequence of the ETFDH protein. This variant is not present in population databases (gnomAD no frequency). This variant has not been reported in the literature in individuals affected with ETFDH-related conditions. Algorithms developed to predict the effect of sequence changes on RNA splicing suggest that this variant may disrupt the consensus splice site. In summary, the available evidence is currently insufficient to determine the role of this variant in disease. Therefore, it has been classified as a Variant of Uncertain Significance.

NM_004453.4(ETFDH):c.1286-13T>C

Gene: ETFDH (electron transfer flavoprotein dehydrogenase; plus strand). Cytogenetic location: 4q32.1.
Variant type: single nucleotide variant.
Coding change: c.1286-13T>C on transcript NM_004453.4 (MANE Select); 13 bases into the intron before coding-DNA position 1286, T replaced by C.
Molecular consequence: intron variant.
Genome position (GRCh38, 1-based): chr4:158,706,176, T>C. VCF-style: chr4-158706176-T-C. GRCh37 (hg19) VCF-style: chr4-159627328-T-C.
Other names: c.1145-13T>C (NM_001281737.2); c.1103-13T>C (NM_001281738.1).
Identifiers: ClinVar variation 1925526 (VCV001925526.2), dbSNP rs2476731429, ClinGen allele CA2580071633.